The following is an entry in ClinVar:

ClinVar aggregate classification (germline): Benign. Review status: criteria provided, multiple submitters, no conflicts (2 of 4 stars). 7 submissions from 5 submitters: Benign (6). 1 of the submissions does not count toward it. Last evaluated 2021-11-07.

Conditions:
Congenital multicore myopathy with external ophthalmoplegia (CMYO1B). Also called: Minicore myopathy with external ophthalmoplegia; MULTIMINICORE DISEASE WITH EXTERNAL OPHTHALMOPLEGIA; Congenital myopathy 1B, autosomal recessive; Minicore myopathy; MULTICORE MYOPATHY. Identifiers: Orphanet 598, Orphanet 98905, MedGen C1850674, MONDO:0009712, OMIM 255320, HP:0003789.
King Denborough syndrome (KDS). Identifiers: MedGen C1840365, MONDO:0020485, OMIM 619542.
Central core myopathy (CMYO1A). Also called: CONGENITAL MYOPATHY 1A, AUTOSOMAL DOMINANT, WITH SUSCEPTIBILITY TO MALIGNANT HYPERTHERMIA; Central core disease; Myopathy, central fibrillar. Identifiers: Orphanet 597, MedGen C5830701, MONDO:0007294, OMIM 117000.

Allele frequency attached by ClinVar (database versions not stated): gnomAD exomes 0.87280 and 0.88244; ExAC 0.87995; ESP Exome Variant Server 0.89236; gnomAD 0.89799 and 0.90133; 1000 Genomes Project 0.90196; TOPMed 0.90226; 1000 Genomes Project 30x 0.90303.

Submissions (7):

Genome-Nilou Lab
Classification: Benign for Central core myopathy. Last evaluated: 2021-11-07. Review status: criteria provided, single submitter. Criteria: ACMG Guidelines, 2015. Collection method: clinical testing. Allele origin: germline. Affected: no.

Genome-Nilou Lab
Classification: Benign for King Denborough syndrome. Last evaluated: 2021-11-07. Review status: criteria provided, single submitter. Criteria: ACMG Guidelines, 2015. Collection method: clinical testing. Allele origin: germline. Affected: no.

Genome-Nilou Lab
Classification: Benign for Congenital multicore myopathy with external ophthalmoplegia. Last evaluated: 2021-11-07. Review status: criteria provided, single submitter. Criteria: ACMG Guidelines, 2015. Collection method: clinical testing. Allele origin: germline. Affected: no.

GeneDx
Classification: Benign. Last evaluated: 2018-06-14. Review status: criteria provided, single submitter. Criteria: GeneDx Variant Classification (06012015). Collection method: clinical testing. Allele origin: germline. Affected: yes.
Comment: This variant is considered likely benign or benign based on one or more of the following criteria: it is a conservative change, it occurs at a poorly conserved position in the protein, it is predicted to be benign by multiple in silico algorithms, and/or has population frequency not consistent with disease.

PreventionGenetics, part of Exact Sciences
Classification: Benign. Last evaluated: 2016-01-04. Review status: criteria provided, single submitter. Criteria: ACMG Guidelines, 2015. Collection method: clinical testing. Allele origin: germline.

Breakthrough Genomics
Classification: Benign. Review status: criteria provided, single submitter. Criteria: ACMG Guidelines, 2015. Collection method: not provided. Allele origin: germline. Inheritance: Autosomal recessive inheritance. Affected: yes.

RYR1 database
No classification provided. Review status: no classification provided. Collection method: not provided. Allele origin: unknown. Not counted in ClinVar's aggregate classification.

NM_000540.3(RYR1):c.1441-24T>C

Genes: RYR1 (ryanodine receptor 1; plus strand), LOC129391106 (MPRA-validated peak3472 silencer; plus strand). Cytogenetic location: 19q13.2.
Variant type: single nucleotide variant.
Coding change: c.1441-24T>C on transcript NM_000540.3 (MANE Select); 24 bases into the intron before coding-DNA position 1441, T replaced by C.
Molecular consequence: intron variant.
Genome position (GRCh38, 1-based): chr19:38,455,211, T>C. VCF-style: chr19-38455211-T-C. GRCh37 (hg19) VCF-style: chr19-38945851-T-C.
Other names: c.1441-24T>C (NM_001042723.2).
Identifiers: ClinVar variation 133065 (VCV000133065.6), dbSNP rs7254832, ClinGen allele CA024137.